The following is an entry in ClinVar:

NM_021814.5(ELOVL5):c.536T>G (p.Leu179Arg)

Gene: ELOVL5 (ELOVL fatty acid elongase 5; minus strand). Cytogenetic location: 6p12.1.
Variant type: single nucleotide variant.
Coding change: c.536T>G on transcript NM_021814.5 (MANE Select); coding-DNA position 536, T replaced by G.
Protein change: p.Leu179Arg; replaces leucine 179 with arginine.
Molecular consequence: missense variant. On other transcripts: intron variant (1).
Genome position (GRCh38, 1-based): chr6:53,273,305, A>C on the plus strand (T>G on the coding strand, the complement: ELOVL5 is on the minus strand). VCF-style: chr6-53273305-A-C. GRCh37 (hg19) VCF-style: chr6-53138103-A-C.
Other names: c.617T>G, p.Leu206Arg (NM_001242828.2); c.536T>G, p.Leu179Arg (NM_001301856.2); c.496+1785T>G (NM_001242830.2); short protein forms L179R, L206R.
Identifiers: ClinVar variation 1050286 (VCV001050286.1), dbSNP rs2127566383, ClinGen allele CA364476709.

ClinVar aggregate classification (germline): Uncertain significance (0 of 4 stars; one submission).

Submission:

Department of Pathology and Laboratory Medicine, Sinai Health System
Classification: Uncertain significance. Review status: no assertion criteria provided. Collection method: clinical testing. Allele origin: unknown. Affected: yes. Study: The Canadian Open Genetics Repository (COGR).
Comment: The ELOVL5 p.Leu206Arg variant was not identified in the literature nor was it identified in dbSNP, ClinVar, Cosmic, LOVD 3.0 or in the following control databases: the 1000 Genomes Project, the NHLBI GO Exome Sequencing Project, the Exome Aggregation Consortium (August 8th 2016), or the Genome Aggregation Database (Feb 27, 2017). Although the p.Leu206 residue is not conserved in mammals and other organisms, computational analyses (PolyPhen-2, SIFT, AlignGVGD, BLOSUM, MutationTaster) suggest that the variant may impact the protein. The variant occurs outside of the splicing consensus sequence and in silico or computational prediction software programs (SpliceSiteFinder, MaxEntScan, NNSPLICE, GeneSplicer) do not predict a difference in splicing. In summary, based on the above information the clinical significance of this variant cannot be determined with certainty at this time. This variant is classified as a variant of uncertain significance.